The following is an entry in ClinVar:

ClinVar aggregate classification (germline): Uncertain significance (1 of 4 stars; one submission).

Submission:

GeneDx
Classification: Uncertain significance. Last evaluated: 2025-08-12. Review status: criteria provided, single submitter. Criteria: GeneDx Variant Classification Process June 2021. Collection method: clinical testing. Allele origin: germline. Affected: yes.
Comment: Not observed at significant frequency in large population cohorts (gnomAD); Initiation codon variant predicted to alter the protein; however, a downstream in-frame Methionine residue could serve as an alternate initiator codon; Has not been previously published as pathogenic or benign to our knowledge

NM_001379291.1(BRD4):c.3G>A (p.Met1Ile)

Gene: BRD4 (bromodomain containing 4; minus strand). Cytogenetic location: 19p13.12.
Variant type: single nucleotide variant.
Coding change: c.3G>A on transcript NM_001379291.1 (MANE Select); coding-DNA position 3, G replaced by A.
Protein change: p.Met1Ile; changes the start codon (methionine 1).
Molecular consequence: missense variant, initiator codon variant.
Genome position (GRCh38, 1-based): chr19:15,273,097, C>T on the plus strand (G>A on the coding strand, the complement: BRD4 is on the minus strand). VCF-style: chr19-15273097-C-T. GRCh37 (hg19) VCF-style: chr19-15383908-C-T.
Other names: c.3G>A, p.Met1Ile (NM_001330384.2, NM_001379292.1, NM_014299.3 and 1 more transcripts); short protein forms M1I.
Identifiers: ClinVar variation 4795622 (VCV004795622.1).